The following is an entry in ClinVar:

NM_002471.4(MYH6):c.643-3T>C

Gene: MYH6 (myosin heavy chain 6; minus strand). Cytogenetic location: 14q11.2.
Variant type: single nucleotide variant.
Coding change: c.643-3T>C on transcript NM_002471.4 (MANE Select); 3 bases into the intron before coding-DNA position 643, T replaced by C.
Molecular consequence: intron variant.
Genome position (GRCh38, 1-based): chr14:23,404,391, A>G on the plus strand (T>C on the coding strand, the complement: MYH6 is on the minus strand). VCF-style: chr14-23404391-A-G. GRCh37 (hg19) VCF-style: chr14-23873600-A-G.
Identifiers: ClinVar variation 264560 (VCV000264560.17), dbSNP rs113552091, ClinGen allele CA7116068.

ClinVar aggregate classification (germline): Conflicting classifications of pathogenicity. Review status: criteria provided, conflicting classifications (1 of 4 stars). 4 submissions from 4 submitters: Uncertain significance (3); Likely benign (1). Last evaluated 2023-08-19.

Conditions:
Cardiovascular phenotype. Identifiers: MedGen CN230736.
Hypertrophic cardiomyopathy 14. Identifiers: MedGen C2750467, MONDO:0013197, OMIM 613251.

Allele frequency attached by ClinVar (database versions not stated): ExAC 0.00002; gnomAD exomes below 0.00001 and 0.00001; TOPMed 0.00002.
gnomAD v4.1: 2 of 1,614,164 alleles (0.00012%); highest among the groups gnomAD compares: Non-Finnish European, 0.00017%; no homozygotes.

Submissions (4):

Women's Health and Genetics/Laboratory Corporation of America, LabCorp
Classification: Uncertain significance. Last evaluated: 2023-08-19. Review status: criteria provided, single submitter. Criteria: LabCorp Variant Classification Summary - May 2015. Collection method: clinical testing. Allele origin: germline.

Ambry Genetics
Classification: Uncertain significance for Cardiovascular phenotype. Last evaluated: 2021-09-08. Review status: criteria provided, single submitter. Criteria: Ambry Variant Classification Scheme 2023. Collection method: clinical testing. Allele origin: germline.
Comment: The c.643-3T>C intronic variant results from a T to C substitution 3 nucleotides upstream from coding exon 6 in the MYH6 gene. This nucleotide position is poorly conserved in available vertebrate species. In silico splice site analysis predicts that this alteration will not have any significant effect on splicing. Since supporting evidence is limited at this time, the clinical significance of this alteration remains unclear.

Labcorp Genetics (formerly Invitae), Labcorp
Classification: Uncertain significance for Hypertrophic cardiomyopathy 14. Last evaluated: 2020-04-06. Review status: criteria provided, single submitter. Criteria: Invitae Variant Classification Sherloc (09022015). Collection method: clinical testing. Allele origin: germline.
Comment: In summary, the available evidence is currently insufficient to determine the role of this variant in disease. Therefore, it has been classified as a Variant of Uncertain Significance. Nucleotide substitutions within the consensus splice site are a relatively common cause of aberrant splicing (PMID: 17576681, 9536098). This variant has not been reported in the literature in individuals with MYH6-related conditions. ClinVar contains an entry for this variant (Variation ID: 264560). This variant is present in population databases (rs113552091, ExAC 0.02%). This sequence change falls in intron 7 of the MYH6 gene. It does not directly change the encoded amino acid sequence of the MYH6 protein, but it affects a nucleotide within the consensus splice site of the intron.

GeneDx
Classification: Likely benign. Last evaluated: 2019-06-27. Review status: criteria provided, single submitter. Criteria: GeneDx Variant Classification Process June 2021. Collection method: clinical testing. Allele origin: germline. Affected: yes.

Literature cited by the submitters: PubMed 17576681 (cited by Labcorp Genetics (formerly Invitae), Labcorp); PubMed 9536098 (cited by Labcorp Genetics (formerly Invitae), Labcorp).